The following is an entry in ClinVar:

ClinVar aggregate classification (germline): Uncertain significance (1 of 4 stars; one submission).

Conditions:
Autosomal recessive limb-girdle muscular dystrophy type 2J (LGMDR10). Also called: Limb-girdle muscular dystrophy, type 2J; MUSCULAR DYSTROPHY, LIMB-GIRDLE, AUTOSOMAL RECESSIVE 10. Identifiers: Orphanet 140922, MedGen C1837342, MONDO:0012127, OMIM 608807.
Dilated cardiomyopathy 1G (CMD1G). Identifiers: Orphanet 154, MedGen C1858763, MONDO:0011400, OMIM 604145.

Submission:

Labcorp Genetics (formerly Invitae), Labcorp
Classification: Uncertain significance for Dilated cardiomyopathy 1G; Autosomal recessive limb-girdle muscular dystrophy type 2J. Last evaluated: 2019-06-25. Review status: criteria provided, single submitter. Criteria: Invitae Variant Classification Sherloc (09022015). Collection method: clinical testing. Allele origin: germline.
Comment: This sequence change falls in intron 14 of the TTN gene. It does not directly change the encoded amino acid sequence of the TTN protein, but it affects a nucleotide within the consensus splice site of the intron. This variant is not present in population databases (ExAC no frequency) and has not been reported in the literature in individuals with a TTN-related disease. Nucleotide substitutions within the consensus splice site are relatively common causes of aberrant splicing (PMID: 17576681, 9536098). Algorithms developed to predict the effect of nucleotide changes on RNA splicing suggest that this variant may alter RNA splicing, but this prediction has not been confirmed by published transcriptional studies. In summary, this is a novel intronic change with uncertain impact on splicing. It has been classified as a Variant of Uncertain Significance.

Literature cited by the submitters: PubMed 17576681; PubMed 9536098.

NM_001267550.2(TTN):c.2370+5G>C

Gene: TTN (titin; minus strand). Cytogenetic location: 2q31.2.
Variant type: single nucleotide variant.
Coding change: c.2370+5G>C on transcript NM_001267550.2 (MANE Select); 5 bases into the intron after coding-DNA position 2370, G replaced by C.
Molecular consequence: intron variant.
Genome position (GRCh38, 1-based): chr2:178,785,843, C>G on the plus strand (G>C on the coding strand, the complement: TTN is on the minus strand). VCF-style: chr2-178785843-C-G. GRCh37 (hg19) VCF-style: chr2-179650570-C-G.
Other names: c.2232+5G>C (NM_003319.4, NM_133437.4, NM_133432.3); c.2370+5G>C (NM_133378.4, NM_001256850.1, NM_133379.5).
Identifiers: ClinVar variation 466924 (VCV000466924.11), dbSNP rs1554022409, ClinGen allele CA658657182.